The following is an entry in ClinVar:

ClinVar aggregate classification (germline): Conflicting classifications of pathogenicity. Review status: criteria provided, conflicting classifications (1 of 4 stars). 4 submissions from 4 submitters: Uncertain significance (1); Likely benign (1). 2 of the submissions do not count toward it. Last evaluated 2026-01-13.

Conditions:
PKHD1-related disorder. Also called: PKHD1-related condition.
Autosomal recessive polycystic kidney disease (ARPKD). Also called: AR polycystic kidney disease. Identifiers: Orphanet 731, Orphanet 8378, MedGen C0085548, MeSH D017044, MONDO:0009889.

Allele frequency attached by ClinVar (database versions not stated): gnomAD below 0.00001 and 0.00006; ExAC 0.00031.
gnomAD v4.1: 245 of 1,613,856 alleles (0.015%); highest among the groups gnomAD compares: South Asian, 0.25%; 3 homozygotes.

Submissions (4):

Labcorp Genetics (formerly Invitae), Labcorp
Classification: Likely benign for Autosomal recessive polycystic kidney disease. Last evaluated: 2026-01-13. Review status: criteria provided, single submitter. Criteria: Invitae Variant Classification Sherloc (09022015). Collection method: clinical testing. Allele origin: germline.

Illumina Laboratory Services, Illumina
Classification: Uncertain significance for Polycystic kidney disease 4. Last evaluated: 2018-01-12. Review status: criteria provided, single submitter. Criteria: ICSL Variant Classification Criteria 13 December 2019. Collection method: clinical testing. Allele origin: germline.

PreventionGenetics, part of Exact Sciences
Classification: Likely benign for PKHD1-related condition. Last evaluated: 2023-11-29. Review status: no assertion criteria provided. Collection method: clinical testing. Allele origin: germline. Not counted in ClinVar's aggregate classification.
Comment: This variant is classified as likely benign based on ACMG/AMP sequence variant interpretation guidelines (Richards et al. 2015 PMID: 25741868, with internal and published modifications).

Natera, Inc.
Classification: Uncertain significance for Autosomal recessive polycystic kidney disease. Last evaluated: 2018-09-30. Review status: no assertion criteria provided. Collection method: clinical testing. Allele origin: germline. Not counted in ClinVar's aggregate classification.

NM_138694.4(PKHD1):c.208C>A (p.Pro70Thr)

Gene: PKHD1 (PKHD1 ciliary IPT domain containing fibrocystin/polyductin; minus strand). Cytogenetic location: 6p12.2.
Variant type: single nucleotide variant.
Coding change: c.208C>A on transcript NM_138694.4 (MANE Select); coding-DNA position 208, C replaced by A.
Protein change: p.Pro70Thr; replaces proline 70 with threonine.
Molecular consequence: missense variant.
Genome position (GRCh38, 1-based): chr6:52,082,465, G>T on the plus strand (C>A on the coding strand, the complement: PKHD1 is on the minus strand). VCF-style: chr6-52082465-G-T. GRCh37 (hg19) VCF-style: chr6-51947263-G-T.
Other names: c.208C>A, p.Pro70Thr (NM_170724.3); short protein forms P70T.
Identifiers: ClinVar variation 702879 (VCV000702879.18), dbSNP rs781485593, ClinGen allele CA3853996.